The following is an entry in ClinVar:

NM_001008537.3(NEXMIF):c.2781C>A (p.Asn927Lys)

Gene: NEXMIF (neurite extension and migration factor; minus strand). Cytogenetic location: Xq13.3.
Variant type: single nucleotide variant.
Coding change: c.2781C>A on transcript NM_001008537.3 (MANE Select); coding-DNA position 2781, C replaced by A.
Protein change: p.Asn927Lys; replaces asparagine 927 with lysine.
Molecular consequence: missense variant.
Genome position (GRCh38, 1-based): chrX:74,741,776, G>T on the plus strand (C>A on the coding strand, the complement: NEXMIF is on the minus strand). VCF-style: chrX-74741776-G-T. GRCh37 (hg19) VCF-style: chrX-73961611-G-T.
Other names: short protein forms N927K.
Identifiers: ClinVar variation 2574773 (VCV002574773.1), dbSNP rs2519913368, ClinGen allele CA413667445.

ClinVar aggregate classification (germline): Uncertain significance (1 of 4 stars; one submission).

Submission:

GeneDx
Classification: Uncertain significance. Last evaluated: 2023-02-06. Review status: criteria provided, single submitter. Criteria: GeneDx Variant Classification Process June 2021. Collection method: clinical testing. Allele origin: germline. Affected: yes.
Comment: Not observed at significant frequency in large population cohorts (gnomAD); In silico analysis supports that this missense variant does not alter protein structure/function; Has not been previously published as pathogenic or benign to our knowledge